The following is an entry in ClinVar:

NM_006950.3(SYN1):c.340A>G (p.Arg114Gly)

Gene: SYN1 (synapsin I; minus strand). Cytogenetic location: Xp11.23.
Variant type: single nucleotide variant.
Coding change: c.340A>G on transcript NM_006950.3 (MANE Select); coding-DNA position 340, A replaced by G.
Protein change: p.Arg114Gly; replaces arginine 114 with glycine.
Molecular consequence: missense variant.
Genome position (GRCh38, 1-based): chrX:47,619,389, T>C on the plus strand (A>G on the coding strand, the complement: SYN1 is on the minus strand). VCF-style: chrX-47619389-T-C. GRCh37 (hg19) VCF-style: chrX-47478788-T-C.
Other names: c.340A>G, p.Arg114Gly (NM_133499.2); short protein forms R114G.
Identifiers: ClinVar variation 981436 (VCV000981436.27), dbSNP rs760804604, ClinGen allele CA10398773.
Genomic context (GRCh38, chrX:47,619,389, plus strand): 5'-AGACGTCCGCGGCAGTGGCTTACCAGTCGGTGTGCGGCTCGTCGATGACCAGCAGCACCC[T>C]GGAGGCGGCTCCCCCGCGGCCTGCGCCCCCAGAGCCGCCGCCCACCTGCTCGCTGAAGGT-3'
Protein context (NP_008881.2, residues 104-124): GGAGRGGAAS[Arg114Gly]VLLVIDEPHT

ClinVar aggregate classification (germline): Uncertain significance. Review status: criteria provided, multiple submitters, no conflicts (2 of 4 stars). 5 submissions from 5 submitters: Uncertain significance (5). Last evaluated 2026-01-13.

Conditions:
Epilepsy, X-linked 1, with variable learning disabilities and behavior disorders. Also called: X-linked epilepsy-learning disabilities-behavior disorders syndrome. Identifiers: Orphanet 85294, MedGen C5774177, MONDO:0010339, OMIM 300491.
Intellectual disability. Also called: Intellectual functioning disability; Intellectual developmental disorder; intellectual disabilities. Identifiers: MedGen C3714756, MeSH D008607, MONDO:0001071, HP:0001249.

Allele frequency attached by ClinVar (database versions not stated): gnomAD exomes below 0.00001 and 0.00001; ExAC 0.00002.
gnomAD v4.1: 1 of 1,194,110 alleles (0.000084%); highest among the groups gnomAD compares: Admixed American, 0.0022%; no homozygotes.

Submissions (5):

Labcorp Genetics (formerly Invitae), Labcorp
Classification: Uncertain significance for Epilepsy, X-linked 1, with variable learning disabilities and behavior disorders. Last evaluated: 2026-01-13. Review status: criteria provided, single submitter. Criteria: Invitae Variant Classification Sherloc (09022015). Collection method: clinical testing. Allele origin: germline.
Comment: This sequence change replaces arginine, which is basic and polar, with glycine, which is neutral and non-polar, at codon 114 of the SYN1 protein (p.Arg114Gly). The frequency data for this variant in the population databases is considered unreliable, as metrics indicate poor data quality at this position in the gnomAD database. This missense change has been observed in individual(s) with clinical features of X-linked epilepsy with variable learning disabilities and behavior disorders (PMID: 36568968). ClinVar contains an entry for this variant (Variation ID: 981436). An algorithm developed to predict the effect of missense changes on protein structure and function (PolyPhen-2) suggests that this variant is likely to be tolerated. In summary, the available evidence is currently insufficient to determine the role of this variant in disease. Therefore, it has been classified as a Variant of Uncertain Significance.

Blueprint Genetics
Classification: Uncertain significance. Last evaluated: 2022-11-15. Review status: criteria provided, single submitter. Criteria: ACMG Guidelines, 2015. Collection method: clinical testing. Allele origin: germline.

Institute for Human Genetics, University Hospital Essen
Classification: Uncertain significance for Epilepsy, X-linked 1, with variable learning disabilities and behavior disorders. Last evaluated: 2022-07-30. Review status: criteria provided, single submitter. Criteria: ACMG Guidelines, 2015. Collection method: clinical testing. Allele origin: maternal. Affected: yes.

Diagnostic Laboratory, Strasbourg University Hospital
Classification: Uncertain significance for Intellectual disability. Last evaluated: 2020-09-10. Review status: criteria provided, single submitter. Criteria: ACMG Guidelines, 2015. Collection method: clinical testing. Allele origin: maternal. Affected: yes. Observed: 1 hemizygote.

Breakthrough Genomics
Classification: Uncertain significance. Review status: criteria provided, single submitter. Criteria: ACMG Guidelines, 2015. Collection method: not provided. Allele origin: germline. Inheritance: X-linked inheritance. Affected: yes.

Literature cited by the submitters: PubMed 36568968 (cited by Labcorp Genetics (formerly Invitae), Labcorp and Institute for Human Genetics, University Hospital Essen).